The following is an entry in ClinVar:

ClinVar aggregate classification (germline): Benign. Review status: reviewed by expert panel (3 of 4 stars). 7 submissions from 7 submitters: Benign (1). 6 of the submissions do not count toward it. Last evaluated 2017-05-09.

Conditions:
Cardiovascular phenotype. Identifiers: MedGen CN230736.
RASopathy. Also called: rasopathies; Noonan spectrum disorder. Identifiers: Orphanet 536391, MedGen C5555857, MONDO:0021060.

Allele frequency attached by ClinVar (database versions not stated): gnomAD exomes 0.00017 and 0.00051; gnomAD 0.00022 and 0.00024; TOPMed 0.00023; ESP Exome Variant Server 0.00055; ExAC 0.00097.
gnomAD v4.1: 297 of 1,550,870 alleles (0.019%); highest among the groups gnomAD compares: Admixed American, 0.035%; 1 homozygote.

Submissions (7):

ClinGen RASopathy Variant Curation Expert Panel
Classification: Benign for Noonan syndrome and Noonan-related syndrome. Last evaluated: 2017-05-09. Review status: reviewed by expert panel. Criteria: ClinGen RASopathy ACMG Specifications v1. Collection method: curation. Allele origin: germline. Inheritance: Autosomal dominant inheritance.
Comment: The filtering allele frequency of the c.1194C>T (p.Thr398=) variant in the MAP2K2 gene is 0.159% (19/7836) of European chromosomes by the Exome Aggregation Consortium, which is a high enough frequency to be classified as benign based on thresholds defined by the ClinGen RASopathy Expert Panel (BA1; PMID:29493581)

Labcorp Genetics (formerly Invitae), Labcorp
Classification: Likely benign for RASopathy. Last evaluated: 2026-01-14. Review status: criteria provided, single submitter. Criteria: Invitae Variant Classification Sherloc (09022015). Collection method: clinical testing. Allele origin: germline. Not counted in ClinVar's aggregate classification.

Blueprint Genetics
Classification: Likely benign. Last evaluated: 2024-11-18. Review status: criteria provided, single submitter. Criteria: ACMG Guidelines, 2015. Collection method: clinical testing. Allele origin: germline. Not counted in ClinVar's aggregate classification.

Ambry Genetics
Classification: Likely benign for Cardiovascular phenotype. Last evaluated: 2020-01-06. Review status: criteria provided, single submitter. Criteria: Ambry Variant Classification Scheme 2023. Collection method: clinical testing. Allele origin: germline. Not counted in ClinVar's aggregate classification.

Women's Health and Genetics/Laboratory Corporation of America, LabCorp
Classification: Benign. Last evaluated: 2016-06-06. Review status: criteria provided, single submitter. Criteria: LabCorp Variant Classification Summary - May 2015. Collection method: clinical testing. Allele origin: germline. Not counted in ClinVar's aggregate classification.
Comment: Variant summary: The c.1194C>T (p.Thr398=) in MAP2K2 gene is a synonymous change that involves a non-conserved nucleotide. 5/5 programs in Alamut predict that this variant does not affect normal splicing, however no functional studies supporting this notion were published at the time of evaluation. The variant is present in the control population dataset of ExAC at frequency of 0.00097 (19/19528chrs tested) exclusively in individuals of European origin (0.0024; 19/7836). However ExAC includes a warning note, this variant is only covered in 9764 individuals (adjusted allele number = 19528). This means that the site is covered in fewer than 80% of the individuals in ExAC, which may indicate a low-quality site. Regardless, this frequency exceeds the maximal expected frequency of a pathogenic allele (0.0000025) in this gene. The variant of interest has not, to our knowledge, been reported in affected individuals in published reports but was cited as Likely Benign by reputable databases/clinical laboratory. Taking together, based on the prevalence in the general population, the synonymous nature of the variant and the lack of predicted effect on splicing, the variant was classified as Benign.

GeneDx
Classification: Benign. Last evaluated: 2015-03-03. Review status: criteria provided, single submitter. Criteria: GeneDx Variant Classification Process June 2021. Collection method: clinical testing. Allele origin: germline. Affected: yes. Not counted in ClinVar's aggregate classification.

Laboratory for Molecular Medicine, Mass General Brigham Personalized Medicine
Classification: Likely benign. Last evaluated: 2010-12-21. Review status: criteria provided, single submitter. Criteria: LMM Criteria. Collection method: clinical testing. Allele origin: germline. Observed: 1 variant allele. Not counted in ClinVar's aggregate classification.

NM_030662.4(MAP2K2):c.1194C>T (p.Thr398=)

Gene: MAP2K2 (mitogen-activated protein kinase kinase 2; minus strand). Cytogenetic location: 19p13.3.
Variant type: single nucleotide variant.
Coding change: c.1194C>T on transcript NM_030662.4 (MANE Select); coding-DNA position 1194, C replaced by T.
Protein change: p.Thr398=; no amino-acid change (threonine 398 retained).
Molecular consequence: synonymous variant.
Genome position (GRCh38, 1-based): chr19:4,090,607, G>A on the plus strand (C>T on the coding strand, the complement: MAP2K2 is on the minus strand). VCF-style: chr19-4090607-G-A. GRCh37 (hg19) VCF-style: chr19-4090605-G-A.
Other names: p.T398T; NM_030662.3(MAP2K2):c.1194C>T.
Identifiers: ClinVar variation 40846 (VCV000040846.20), dbSNP rs144850779, ClinGen allele CA137913.
Genomic context (GRCh38, chr19:4,090,607, plus strand): 5'-GACAGGGACGGTGGGCAGGTCACCAGCGGGACGCAGGGAGCCCGGCCACTGTCACACGGC[G>A]GTGCGCGTGGGTGTGCCGGGCTGGTTCAGCCGCAGGGTTTTACACAACCAGCCGGCAAAA-3'
Protein context (NP_109587.1, residues 388-400): RLNQPGTPTR[Thr398=]AV